The following is an entry in ClinVar:

ClinVar aggregate classification (germline): Uncertain significance (1 of 4 stars; one submission).

Submission:

Ambry Genetics
Classification: Uncertain significance. Last evaluated: 2025-08-28. Review status: criteria provided, single submitter. Criteria: Ambry Variant Classification Scheme 2023. Collection method: clinical testing. Allele origin: germline.
Comment: The c.1564T>C (p.W522R) alteration is located in exon 4 (coding exon 2) of the KLHL15 gene. This alteration results from a T to C substitution at nucleotide position 1564, causing the tryptophan (W) at amino acid position 522 to be replaced by an arginine (R). This variant was not reported in population-based cohorts in the Genome Aggregation Database (gnomAD). This amino acid position is highly conserved in available vertebrate species. This alteration is predicted to be deleterious by in silico analysis. Based on insufficient or conflicting evidence, the clinical significance of this alteration remains unclear.

NM_030624.3(KLHL15):c.1564T>C (p.Trp522Arg)

Gene: KLHL15 (kelch like family member 15; minus strand). Cytogenetic location: Xp22.11.
Variant type: single nucleotide variant.
Coding change: c.1564T>C on transcript NM_030624.3 (MANE Select); coding-DNA position 1564, T replaced by C.
Protein change: p.Trp522Arg; replaces tryptophan 522 with arginine.
Molecular consequence: missense variant.
Genome position (GRCh38, 1-based): chrX:23,988,172, A>G on the plus strand (T>C on the coding strand, the complement: KLHL15 is on the minus strand). VCF-style: chrX-23988172-A-G. GRCh37 (hg19) VCF-style: chrX-24006289-A-G.
Other names: short protein forms W522R.
Identifiers: ClinVar variation 4044055 (VCV004044055.2).